The following is an entry in ClinVar:

ClinVar aggregate classification (germline): Uncertain significance (1 of 4 stars; one submission).

Allele frequency attached by ClinVar (database versions not stated): TOPMed below 0.00001.
gnomAD v4.1: 1 of 1,614,008 alleles (0.000062%); no homozygotes.

Submission:

GeneDx
Classification: Uncertain significance. Last evaluated: 2019-11-25. Review status: criteria provided, single submitter. Criteria: GeneDx Variant Classification Process June 2021. Collection method: clinical testing. Allele origin: germline. Affected: yes.
Comment: Not observed in large population cohorts (Lek et al., 2016); In silico analysis, which includes protein predictors and evolutionary conservation, supports that this variant does not alter protein structure/function; Has not been previously published as pathogenic or benign to our knowledge

NM_004385.5(VCAN):c.4874G>A (p.Arg1625Lys)

Genes: VCAN (versican; plus strand), VCAN-AS1 (VCAN antisense RNA 1; minus strand). Cytogenetic location: 5q14.3.
Variant type: single nucleotide variant.
Coding change: c.4874G>A on transcript NM_004385.5 (MANE Select); coding-DNA position 4874, G replaced by A.
Protein change: p.Arg1625Lys; replaces arginine 1625 with lysine.
Molecular consequence: missense variant. On other transcripts: intron variant (2).
Genome position (GRCh38, 1-based): chr5:83,537,877, G>A. VCF-style: chr5-83537877-G-A. GRCh37 (hg19) VCF-style: chr5-82833696-G-A.
Other names: c.1913G>A, p.Arg638Lys (NM_001164097.2); c.4004-7660G>A (NM_001164098.2); c.1043-7660G>A (NM_001126336.3); short protein forms R1625K, R638K.
Identifiers: ClinVar variation 1310562 (VCV001310562.2), dbSNP rs1171808787, ClinGen allele CA360309187.